The following is an entry in ClinVar:

ClinVar aggregate classification (germline): Uncertain significance (1 of 4 stars; one submission).

Conditions:
Familial hemophagocytic lymphohistiocytosis 3 (FHL3). Also called: UNC13D-Related Familial Hemophagocytic Lymphohistiocytosis (UNC13D-fHLH). Identifiers: Orphanet 540, MedGen C1837174, MONDO:0012146, OMIM 608898.

Allele frequency attached by ClinVar (database versions not stated): 1000 Genomes Project 30x 0.00016.

Submission:

Labcorp Genetics (formerly Invitae), Labcorp
Classification: Uncertain significance for Familial hemophagocytic lymphohistiocytosis 3. Last evaluated: 2022-10-15. Review status: criteria provided, single submitter. Criteria: Invitae Variant Classification Sherloc (09022015). Collection method: clinical testing. Allele origin: germline.
Comment: This sequence change replaces arginine, which is basic and polar, with glycine, which is neutral and non-polar, at codon 256 of the UNC13D protein (p.Arg256Gly). This variant is present in population databases (rs121434352, gnomAD 0.005%). This variant has not been reported in the literature in individuals affected with UNC13D-related conditions. ClinVar contains an entry for this variant (Variation ID: 1427006). Advanced modeling of protein sequence and biophysical properties (such as structural, functional, and spatial information, amino acid conservation, physicochemical variation, residue mobility, and thermodynamic stability) performed at Invitae indicates that this missense variant is not expected to disrupt UNC13D protein function. In summary, the available evidence is currently insufficient to determine the role of this variant in disease. Therefore, it has been classified as a Variant of Uncertain Significance.

NM_199242.3(UNC13D):c.766C>G (p.Arg256Gly)

Gene: UNC13D (unc-13 homolog D; minus strand). Cytogenetic location: 17q25.1.
Variant type: single nucleotide variant.
Coding change: c.766C>G on transcript NM_199242.3 (MANE Select); coding-DNA position 766, C replaced by G.
Protein change: p.Arg256Gly; replaces arginine 256 with glycine.
Molecular consequence: missense variant.
Genome position (GRCh38, 1-based): chr17:75,840,317, G>C on the plus strand (C>G on the coding strand, the complement: UNC13D is on the minus strand). VCF-style: chr17-75840317-G-C. GRCh37 (hg19) VCF-style: chr17-73836398-G-C.
Other names: short protein forms R256G.
Identifiers: ClinVar variation 1427006 (VCV001427006.3), dbSNP rs121434352, ClinGen allele CA8773278.
Genomic context (GRCh38, chr17:75,840,317, plus strand): 5'-ACTGGCCTCGGTCTGGGTAGGTCTCAGTGCGGGGTTCCAGGGGGTACCACTGGTCCTCTC[G>C]GCAGCGCAGGTCCTGACAGGCGGGGATGCCCAGCCCGTGAGCGTCAGAACCTCATAGAGT-3'
Protein context (NP_954712.1, residues 246-266): VVLRLQDLRC[Arg256Gly]EDQWYPLEPR